The following is an entry in ClinVar:

ClinVar aggregate classification (germline): Uncertain significance (1 of 4 stars; one submission).

gnomAD v4.1: 9 of 1,614,062 alleles (0.00056%); highest among the groups gnomAD compares: Admixed American, 0.0017%; no homozygotes.

Submission:

Labcorp Genetics (formerly Invitae), Labcorp
Classification: Uncertain significance. Last evaluated: 2024-12-16. Review status: criteria provided, single submitter. Criteria: Invitae Variant Classification Sherloc (09022015). Collection method: clinical testing. Allele origin: germline.
Comment: This sequence change replaces aspartic acid, which is acidic and polar, with asparagine, which is neutral and polar, at codon 1274 of the NIN protein (p.Asp1274Asn). This variant is present in population databases (no rsID available, gnomAD 0.003%). This variant has not been reported in the literature in individuals affected with NIN-related conditions. An algorithm developed to predict the effect of missense changes on protein structure and function (PolyPhen-2) suggests that this variant is likely to be disruptive. In summary, the available evidence is currently insufficient to determine the role of this variant in disease. Therefore, it has been classified as a Variant of Uncertain Significance.

NM_020921.4(NIN):c.3820G>A (p.Asp1274Asn)

Gene: NIN (ninein; minus strand). Cytogenetic location: 14q22.1.
Variant type: single nucleotide variant.
Coding change: c.3820G>A on transcript NM_020921.4 (MANE Select); coding-DNA position 3820, G replaced by A.
Protein change: p.Asp1274Asn; replaces aspartic acid 1274 with asparagine.
Molecular consequence: missense variant. On other transcripts: intron variant (1).
Genome position (GRCh38, 1-based): chr14:50,757,210, C>T on the plus strand (G>A on the coding strand, the complement: NIN is on the minus strand). VCF-style: chr14-50757210-C-T. GRCh37 (hg19) VCF-style: chr14-51223928-C-T.
Other names: c.3820G>A, p.Asp1274Asn (NM_182944.3, NM_182946.2); c.2400-2343G>A (NM_016350.5); short protein forms D1274N.
Identifiers: ClinVar variation 3610497 (VCV003610497.2).
Genomic context (GRCh38, chr14:50,757,210, plus strand): 5'-GCTCATCCTGCAACCTGAAAACCTCTGCAGTGAGTTCTTTGTTATTTTCTAGTGCCTCAT[C>T]GTAGCGTGTCTCCATCATTCTCAGCTCTTCCTGAAGGCAGTCATTTTCTCGGCTCACATC-3'
Protein context (NP_065972.4, residues 1264-1284): EELRMMETRY[Asp1274Asn]EALENNKELT